The following is an entry in ClinVar:

ClinVar aggregate classification (germline): Conflicting classifications of pathogenicity. Review status: criteria provided, conflicting classifications (1 of 4 stars). 2 submissions from 2 submitters: Uncertain significance (1); Likely benign (1). Last evaluated 2025-10-30.

Conditions:
Inborn genetic diseases. Identifiers: MedGen C0950123, MeSH D030342.

gnomAD v4.1: 9 of 1,613,192 alleles (0.00056%); highest among the groups gnomAD compares: African/African-American, 0.012%; no homozygotes.

Submissions (2):

Ambry Genetics
Classification: Likely benign for Inborn genetic diseases. Last evaluated: 2025-10-30. Review status: criteria provided, single submitter. Criteria: Ambry Variant Classification Scheme 2023. Collection method: clinical testing. Allele origin: germline.

Labcorp Genetics (formerly Invitae), Labcorp
Classification: Uncertain significance. Last evaluated: 2024-03-27. Review status: criteria provided, single submitter. Criteria: Invitae Variant Classification Sherloc (09022015). Collection method: clinical testing. Allele origin: germline.
Comment: This sequence change replaces isoleucine, which is neutral and non-polar, with valine, which is neutral and non-polar, at codon 656 of the MYO18B protein (p.Ile656Val). This variant is present in population databases (rs564994887, gnomAD 0.008%). This variant has not been reported in the literature in individuals affected with MYO18B-related conditions. Algorithms developed to predict the effect of missense changes on protein structure and function output the following: SIFT: "Not Available"; PolyPhen-2: "Benign"; Align-GVGD: "Not Available". The valine amino acid residue is found in multiple mammalian species, which suggests that this missense change does not adversely affect protein function. In summary, the available evidence is currently insufficient to determine the role of this variant in disease. Therefore, it has been classified as a Variant of Uncertain Significance.

NM_032608.7(MYO18B):c.1966A>G (p.Ile656Val)

Gene: MYO18B (myosin XVIIIB; plus strand). Cytogenetic location: 22q12.1.
Variant type: single nucleotide variant.
Coding change: c.1966A>G on transcript NM_032608.7 (MANE Select); coding-DNA position 1966, A replaced by G.
Protein change: p.Ile656Val; replaces isoleucine 656 with valine.
Molecular consequence: missense variant.
Genome position (GRCh38, 1-based): chr22:25,777,679, A>G. VCF-style: chr22-25777679-A-G. GRCh37 (hg19) VCF-style: chr22-26173646-A-G.
Other names: c.1966A>G (NM_032608.5); c.1966A>G, p.Ile656Val (NM_001318245.2); short protein forms I656V.
Identifiers: ClinVar variation 3610984 (VCV003610984.2).
Genomic context (GRCh38, chr22:25,777,679, plus strand): 5'-ATTGGCTCCATGGCACAGCGGGCATACTGGGCGCTGCTGAACCAGCGGAGAGACCAGAGC[A>G]TTGTGGCCCTGGGCTGGAGTGGCGCTGGGAAGACCACCTGCTGTGAGCAGGTCCTGGAAC-3'
Protein context (NP_115997.5, residues 646-666): ALLNQRRDQS[Ile656Val]VALGWSGAGK